The following is an entry in ClinVar:

NM_004168.4(SDHA):c.446C>T (p.Ala149Val)

Gene: SDHA (succinate dehydrogenase complex flavoprotein subunit A; plus strand). Cytogenetic location: 5p15.33.
Variant type: single nucleotide variant.
Coding change: c.446C>T on transcript NM_004168.4 (MANE Select); coding-DNA position 446, C replaced by T.
Protein change: p.Ala149Val; replaces alanine 149 with valine.
Molecular consequence: missense variant. On other transcripts: intron variant (1).
Genome position (GRCh38, 1-based): chr5:225,552, C>T. VCF-style: chr5-225552-C-T. GRCh37 (hg19) VCF-style: chr5-225667-C-T.
Other names: c.446C>T, p.Ala149Val (NM_001330758.2); c.313-331C>T (NM_001294332.2); short protein forms A149V.
Identifiers: ClinVar variation 412353 (VCV000412353.9), dbSNP rs1060503709, ClinGen allele CA16612049.

ClinVar aggregate classification (germline): Uncertain significance (1 of 4 stars; one submission).

Conditions:
Mitochondrial complex II deficiency, nuclear type 1. Also called: SUCCINATE CoQ REDUCTASE DEFICIENCY. Identifiers: Orphanet 3208, MedGen C5700310, MONDO:0100294, OMIM 252011.
Pheochromocytoma/paraganglioma syndrome 5. Also called: SDHA-Related Hereditary Paraganglioma-Pheochromocytoma Syndrome; Paragangliomas 5. Identifiers: Orphanet 29072, MedGen C3279992, MONDO:0013602, OMIM 614165.

Submission:

Labcorp Genetics (formerly Invitae), Labcorp
Classification: Uncertain significance for Pheochromocytoma/paraganglioma syndrome 5; Mitochondrial complex II deficiency, nuclear type 1. Last evaluated: 2016-04-01. Review status: criteria provided, single submitter. Criteria: Invitae Variant Classification Sherloc (09022015). Collection method: clinical testing. Allele origin: germline.
Comment: In summary, this variant is a novel missense change with uncertain impact on protein function. It has been classified as a Variant of Uncertain Significance. Algorithms developed to predict the effect of missense changes on protein structure and function do not agree on the potential impact of this missense change (SIFT: "Deleterious"; PolyPhen-2: "Benign"; Align-GVGD: "Class C0"). This variant is not present in population databases (ExAC no frequency) and has not been reported in the literature in individuals with a SDHA-related disease. This sequence change replaces alanine with valine at codon 149 of the SDHA protein (p.Ala149Val). The alanine residue is moderately conserved and there is a small physicochemical difference between alanine and valine.